The following is an entry in ClinVar:

ClinVar aggregate classification (germline): Likely benign. Review status: criteria provided, multiple submitters, no conflicts (2 of 4 stars). 2 submissions from 2 submitters: Likely benign (2). Last evaluated 2024-08-13.

Conditions:
Developmental and epileptic encephalopathy, 1 (DEE1). Also called: INFANTILE SPASM SYNDROME, X-LINKED 1; X-linked infantile spasms; West's syndrome; Tonic spasms with clustering, arrest of psychomotor development and hypsarrhythmia on EEG; X-Linked Infantile Spasm Syndrome; OHTAHARA SYNDROME, X-LINKED. Identifiers: MedGen C3463992, MONDO:0010632, OMIM 308350. Disease mechanism: loss of function.
Autosomal dominant nonsyndromic hearing loss 65. Also called: TBC1D24-Related Autosomal Dominant Nonsyndromic Hearing Loss (DFNA); Deafness, autosomal dominant 65. Identifiers: Orphanet 90635, MedGen C3892048, MONDO:0014470, OMIM 616044.

Allele frequency attached by ClinVar (database versions not stated): TOPMed 0.00005.
gnomAD v4.1: 8 of 1,607,488 alleles (0.0005%); highest among the groups gnomAD compares: East Asian, 0.018%; no homozygotes.

Submissions (2):

Labcorp Genetics (formerly Invitae), Labcorp
Classification: Likely benign for Developmental and epileptic encephalopathy, 1; Autosomal dominant nonsyndromic hearing loss 65. Last evaluated: 2024-08-13. Review status: criteria provided, single submitter. Criteria: Invitae Variant Classification Sherloc (09022015). Collection method: clinical testing. Allele origin: germline.

Laboratory for Molecular Medicine, Mass General Brigham Personalized Medicine
Classification: Likely benign. Last evaluated: 2017-08-23. Review status: criteria provided, single submitter. Criteria: LMM Criteria. Collection method: clinical testing. Allele origin: germline. Observed: 1 variant allele.
Comment: p.Ser470Ser in exon 7 of TBC1D24: This variant is not expected to have clinical significance because it does not alter an amino acid residue and is not located within the splice consensus sequence. It has been identified in 0.05% (3/6268) of East Asian chromosomes by the Exome Aggregation Consortium (ExAC; dbSNP rs553497128).

NM_001199107.2(TBC1D24):c.1410C>A (p.Ser470=)

Gene: TBC1D24 (TBC1 domain family member 24; plus strand). Cytogenetic location: 16p13.3.
Variant type: single nucleotide variant.
Coding change: c.1410C>A on transcript NM_001199107.2 (MANE Select); coding-DNA position 1410, C replaced by A.
Protein change: p.Ser470=; no amino-acid change (serine 470 retained).
Molecular consequence: synonymous variant.
Genome position (GRCh38, 1-based): chr16:2,500,375, C>A. VCF-style: chr16-2500375-C-A. GRCh37 (hg19) VCF-style: chr16-2550376-C-A.
Other names: c.1392C>A, p.Ser464= (NM_020705.3).
Identifiers: ClinVar variation 929981 (VCV000929981.13), dbSNP rs553497128, ClinGen allele CA7844288.